The following is an entry in ClinVar:

NM_000038.6(APC):c.2228T>G (p.Met743Arg)

Gene: APC (APC regulator of Wnt signaling pathway; plus strand). Cytogenetic location: 5q22.2.
Variant type: single nucleotide variant.
Coding change: c.2228T>G on transcript NM_000038.6 (MANE Select); coding-DNA position 2228, T replaced by G.
Protein change: p.Met743Arg; replaces methionine 743 with arginine.
Molecular consequence: missense variant.
Genome position (GRCh38, 1-based): chr5:112,837,822, T>G. VCF-style: chr5-112837822-T-G. GRCh37 (hg19) VCF-style: chr5-112173519-T-G.
Other names: c.2228T>G, p.Met743Arg (NM_001127510.3, NM_001354895.2); c.2174T>G, p.Met725Arg (NM_001127511.3); c.2282T>G, p.Met761Arg (NM_001354896.2); c.2258T>G, p.Met753Arg (NM_001354897.2); c.2153T>G, p.Met718Arg (NM_001354898.2); c.2144T>G, p.Met715Arg (NM_001354899.2); c.2105T>G, p.Met702Arg (NM_001354900.2); c.2051T>G, p.Met684Arg (NM_001354901.2); and 5 more; short protein forms M725R, M743R, M460R, M642R, M702R, M617R, M715R, M761R.
Identifiers: ClinVar variation 236572 (VCV000236572.13), dbSNP rs878853425, ClinGen allele CA10582295.

ClinVar aggregate classification (germline): Uncertain significance. Review status: criteria provided, multiple submitters, no conflicts (2 of 4 stars). 3 submissions from 3 submitters: Uncertain significance (3). Last evaluated 2025-11-07.

Conditions:
Hereditary cancer-predisposing syndrome. Also called: Hereditary neoplastic syndrome; Hereditary Cancer Syndrome; Neoplastic Syndromes, Hereditary; Tumor predisposition. Identifiers: Orphanet 140162, MedGen C0027672, MeSH D009386, MONDO:0015356.
Familial adenomatous polyposis 1 (FAP1). Also called: FAMILIAL ADENOMATOUS POLYPOSIS 1, ATTENUATED; POLYPOSIS, ADENOMATOUS INTESTINAL. Identifiers: MedGen C2713442, MONDO:0021056, OMIM 175100. Disease mechanism: loss of function.

Submissions (3):

Ambry Genetics
Classification: Uncertain significance for Hereditary cancer-predisposing syndrome. Last evaluated: 2025-11-07. Review status: criteria provided, single submitter. Criteria: Ambry Variant Classification Scheme 2023. Collection method: clinical testing. Allele origin: germline.
Comment: The p.M743R variant (also known as c.2228T>G), located in coding exon 15 of the APC gene, results from a T to G substitution at nucleotide position 2228. The methionine at codon 743 is replaced by arginine, an amino acid with similar properties. This amino acid position is well conserved in available vertebrate species. In addition, in silico predictors for this gene do not accurately predict pathogenicity. Missense alterations in APC are not a common cause of disease (Spier I et al. Genet Med. 2024 Feb;26(2):100992). Based on the available evidence, the clinical significance of this variant remains unclear.

Color Diagnostics, LLC DBA Color Health
Classification: Uncertain significance for Hereditary cancer-predisposing syndrome. Last evaluated: 2025-06-29. Review status: criteria provided, single submitter. Criteria: ACMG Guidelines, 2015. Collection method: clinical testing. Allele origin: germline.
Comment: This missense variant replaces methionine with arginine at codon 743 of the APC protein. Computational prediction suggests that this variant may not impact protein structure and function. To our knowledge, functional studies have not been reported for this variant. This variant has not been reported in individuals affected with APC-related disorders in the literature. This variant has not been identified in the general population by the Genome Aggregation Database (gnomAD). The available evidence is insufficient to determine the role of this variant in disease conclusively. Therefore, this variant is classified as a Variant of Uncertain Significance.

Labcorp Genetics (formerly Invitae), Labcorp
Classification: Uncertain significance for Familial adenomatous polyposis 1. Last evaluated: 2025-04-07. Review status: criteria provided, single submitter. Criteria: Invitae Variant Classification Sherloc (09022015). Collection method: clinical testing. Allele origin: germline.
Comment: This sequence change replaces methionine, which is neutral and non-polar, with arginine, which is basic and polar, at codon 743 of the APC protein (p.Met743Arg). This variant is not present in population databases (gnomAD no frequency). This variant has not been reported in the literature in individuals affected with APC-related conditions. ClinVar contains an entry for this variant (Variation ID: 236572). Invitae Evidence Modeling of protein sequence and biophysical properties (such as structural, functional, and spatial information, amino acid conservation, physicochemical variation, residue mobility, and thermodynamic stability) indicates that this missense variant is not expected to disrupt APC protein function with a negative predictive value of 95%. In summary, the available evidence is currently insufficient to determine the role of this variant in disease. Therefore, it has been classified as a Variant of Uncertain Significance.